The following is an entry in ClinVar:

NM_012123.4(MTO1):c.1291C>T (p.Arg431Trp)

Gene: MTO1 (mitochondrial tRNA translation optimization 1; plus strand). Cytogenetic location: 6q13.
Variant type: single nucleotide variant.
Coding change: c.1291C>T on transcript NM_012123.4 (MANE Select); coding-DNA position 1291, C replaced by T.
Protein change: p.Arg431Trp; replaces arginine 431 with tryptophan.
Molecular consequence: missense variant.
Genome position (GRCh38, 1-based): chr6:73,482,070, C>T. VCF-style: chr6-73482070-C-T. GRCh37 (hg19) VCF-style: chr6-74191793-C-T.
Other names: c.1411C>T, p.Arg471Trp (NM_001123226.2); c.1366C>T, p.Arg456Trp (NM_133645.3); short protein forms R456W, R431W, R471W.
Identifiers: ClinVar variation 408273 (VCV000408273.6), dbSNP rs748328322, ClinGen allele CA500007.
Genomic context (GRCh38, chr6:73,482,070, plus strand): 5'-GGCCTTTTAAACATTTCAGTGCTCTTGTAGGGTGTGATAGCCGGAATCAACGCCAGTCTT[C>T]GGGTCAGTCGCAAGCCTCCCTTTGTGGTTAGCCGAACAGAAGGTTACATAGGAGTCTTGA-3'
Protein context (NP_036255.2, residues 421-441): GVIAGINASL[Arg431Trp]VSRKPPFVVS

ClinVar aggregate classification (germline): Uncertain significance (1 of 4 stars; one submission).

Conditions:
Mitochondrial hypertrophic cardiomyopathy with lactic acidosis due to MTO1 deficiency. Also called: CARDIOMYOPATHY, INFANTILE HYPERTROPHIC MITOCHONDRIAL, AND LACTIC ACIDOSIS; Combined oxidative phosphorylation deficiency 10. Identifiers: Orphanet 314637, MedGen C4749921, MONDO:0013865, OMIM 614702.

Allele frequency attached by ClinVar (database versions not stated): gnomAD exomes below 0.00001 and 0.00001; ExAC 0.00001; TOPMed 0.00001.
gnomAD v4.1: 5 of 1,614,108 alleles (0.00031%); highest among the groups gnomAD compares: East Asian, 0.0067%; no homozygotes.

Submission:

Labcorp Genetics (formerly Invitae), Labcorp
Classification: Uncertain significance for Mitochondrial hypertrophic cardiomyopathy with lactic acidosis due to MTO1 deficiency. Last evaluated: 2021-09-01. Review status: criteria provided, single submitter. Criteria: Invitae Variant Classification Sherloc (09022015). Collection method: clinical testing. Allele origin: germline.
Comment: This sequence change replaces arginine with tryptophan at codon 431 of the MTO1 protein (p.Arg431Trp). The arginine residue is moderately conserved and there is a moderate physicochemical difference between arginine and tryptophan. This variant has not been reported in the literature in individuals affected with MTO1-related conditions. Algorithms developed to predict the effect of missense changes on protein structure and function are either unavailable or do not agree on the potential impact of this missense change (SIFT: "Deleterious"; PolyPhen-2: "Benign"; Align-GVGD: "Class C0"). In summary, the available evidence is currently insufficient to determine the role of this variant in disease. Therefore, it has been classified as a Variant of Uncertain Significance.